The following is an entry in ClinVar:

NM_017780.4(CHD7):c.2600A>G (p.Lys867Arg)

Gene: CHD7 (chromodomain helicase DNA binding protein 7; plus strand). Cytogenetic location: 8q12.2.
Variant type: single nucleotide variant.
Coding change: c.2600A>G on transcript NM_017780.4 (MANE Select); coding-DNA position 2600, A replaced by G.
Protein change: p.Lys867Arg; replaces lysine 867 with arginine.
Molecular consequence: missense variant. On other transcripts: intron variant (1).
Genome position (GRCh38, 1-based): chr8:60,816,488, A>G. VCF-style: chr8-60816488-A-G. GRCh37 (hg19) VCF-style: chr8-61729047-A-G.
Other names: c.1716+35438A>G (NM_001316690.1); short protein forms K867R.
Identifiers: ClinVar variation 2673148 (VCV002673148.26), dbSNP rs750135347, ClinGen allele CA4759758.

ClinVar aggregate classification (germline): Likely benign. Review status: criteria provided, multiple submitters, no conflicts (2 of 4 stars). 2 submissions from 2 submitters: Likely benign (2). Last evaluated 2025-04-24.

Conditions:
CHARGE syndrome (CHARGE). Also called: Hittner Hirsch Kreh syndrome; CHARGE ASSOCIATION--COLOBOMA, HEART ANOMALY, CHOANAL ATRESIA, RETARDATION, GENITAL AND EAR ANOMALIES; Coloboma, heart anomaly, choanal atresia, retardation, genital and ear anomalies; CHARGE association; Hall-Hittner syndrome. Identifiers: Orphanet 138, MedGen C0265354, MONDO:0008965.

Allele frequency attached by ClinVar (database versions not stated): gnomAD exomes below 0.00001; ExAC 0.00001; TOPMed 0.00001.
gnomAD v4.1: 3 of 1,594,746 alleles (0.00019%); highest among the groups gnomAD compares: Non-Finnish European, 0.00026%; no homozygotes.

Submissions (2):

Labcorp Genetics (formerly Invitae), Labcorp
Classification: Likely benign for CHARGE syndrome. Last evaluated: 2025-04-24. Review status: criteria provided, single submitter. Criteria: Invitae Variant Classification Sherloc (09022015). Collection method: clinical testing. Allele origin: germline.

CeGaT Center for Human Genetics Tuebingen
Classification: Likely benign. Last evaluated: 2023-11-01. Review status: criteria provided, single submitter. Criteria: CeGaT Center For Human Genetics Tuebingen Variant Classification Criteria Version 2. Collection method: clinical testing. Allele origin: germline. Affected: yes. Observed: 1 variant allele.
Comment: CHD7: PM2:Supporting, BP4, BP5